The following is an entry in ClinVar:

ClinVar aggregate classification (germline): Uncertain significance. Review status: criteria provided, multiple submitters, no conflicts (2 of 4 stars). 2 submissions from 2 submitters: Uncertain significance (2). Last evaluated 2025-06-09.

Conditions:
Hereditary cancer-predisposing syndrome. Also called: Neoplastic Syndromes, Hereditary; Tumor predisposition; Hereditary Cancer Syndrome; Hereditary neoplastic syndrome. Identifiers: Orphanet 140162, MedGen C0027672, MeSH D009386, MONDO:0015356.

Submissions (2):

Women's Health and Genetics/Laboratory Corporation of America, LabCorp
Classification: Uncertain significance. Last evaluated: 2025-06-09. Review status: criteria provided, single submitter. Criteria: LabCorp Variant Classification Summary - May 2015. Collection method: clinical testing. Allele origin: germline.
Comment: Variant summary: PMS2 c.2195C>G (p.Thr732Ser) results in a conservative amino acid change in the encoded protein sequence. Algorithms developed to predict the effect of missense changes on protein structure and function are either unavailable or do not agree on the potential impact of this missense change. The variant was absent in 245278 control chromosomes. The available data on variant occurrences in the general population are insufficient to allow any conclusion about variant significance. To our knowledge, no occurrence of c.2195C>G in individuals affected with Lynch Syndrome and no experimental evidence demonstrating its impact on protein function have been reported. ClinVar contains an entry for this variant (Variation ID: 1787472). Based on the evidence outlined above, the variant was classified as uncertain significance.

Ambry Genetics
Classification: Uncertain significance for Hereditary cancer-predisposing syndrome. Last evaluated: 2021-07-23. Review status: criteria provided, single submitter. Criteria: Ambry Variant Classification Scheme 2023. Collection method: clinical testing. Allele origin: germline.
Comment: The p.T732S variant (also known as c.2195C>G), located in coding exon 13 of the PMS2 gene, results from a C to G substitution at nucleotide position 2195. The threonine at codon 732 is replaced by serine, an amino acid with similar properties. This amino acid position is well conserved in available vertebrate species. In addition, the in silico prediction for this alteration is inconclusive. Since supporting evidence is limited at this time, the clinical significance of this alteration remains unclear.

NM_000535.7(PMS2):c.2195C>G (p.Thr732Ser)

Gene: PMS2 (PMS1 homolog 2, mismatch repair system component; minus strand). Cytogenetic location: 7p22.1.
Variant type: single nucleotide variant.
Coding change: c.2195C>G on transcript NM_000535.7 (MANE Select); coding-DNA position 2195, C replaced by G.
Protein change: p.Thr732Ser; replaces threonine 732 with serine.
Molecular consequence: missense variant. On other transcripts: non-coding transcript variant (1).
Genome position (GRCh38, 1-based): chr7:5,978,676, G>C on the plus strand (C>G on the coding strand, the complement: PMS2 is on the minus strand). VCF-style: chr7-5978676-G-C. GRCh37 (hg19) VCF-style: chr7-6018307-G-C.
Other names: c.1790C>G, p.Thr597Ser (NM_001018040.1, NM_001322003.2, NM_001322004.2 and 15 more transcripts); c.2039C>G, p.Thr680Ser (NM_001322006.2, NM_001406870.1); c.1877C>G, p.Thr626Ser (NM_001322007.2, NM_001322008.2, NM_001406876.1 and 1 more transcripts); c.1634C>G, p.Thr545Ser (NM_001322010.2, NM_001406906.1, NM_001406907.1); c.1262C>G, p.Thr421Ser (NM_001322011.2, NM_001322012.2); c.1622C>G, p.Thr541Ser (NM_001322013.2, NM_001406908.1, NM_001406909.1); c.2195C>G, p.Thr732Ser (NM_001322014.2); c.1886C>G, p.Thr629Ser (NM_001322015.2, NM_001406875.1, NM_001406877.1 and 5 more transcripts); and 14 more; short protein forms T561S, T620S, T626S, T676S, T696S, T421S, T541S, T570S.
Identifiers: ClinVar variation 1787472 (VCV001787472.3), dbSNP rs2128683662, ClinGen allele CA366736877.
Genomic context (GRCh38, chr7:5,978,676, plus strand): 5'-TCAAAGCCATTCTTTCTAAATATTTCCAGATTTTCTATCAGAACAGCTTCATTAACAGCA[G>C]TTAAGTTGAGAGTCTGAGGTCTGAAAAACACAAAAATGATTCAAACCATATCCTGAAGTC-3'
Protein context (NP_000526.2, residues 722-742): RLIAPQTLNL[Thr732Ser]AVNEAVLIEN